The following is an entry in ClinVar:

ClinVar aggregate classification (germline): Likely benign (0 of 4 stars; one submission).

Conditions:
RAI1-related disorder. Also called: RAI1-related condition.

Allele frequency attached by ClinVar (database versions not stated): TOPMed below 0.00001; gnomAD 0.00001.
gnomAD v4.1: 3 of 1,613,736 alleles (0.00019%); highest among the groups gnomAD compares: African/African-American, 0.004%; no homozygotes.

Submission:

PreventionGenetics, part of Exact Sciences
Classification: Likely benign for RAI1-related condition. Last evaluated: 2020-01-10. Review status: no assertion criteria provided. Collection method: clinical testing. Allele origin: germline.
Comment: This variant is classified as likely benign based on ACMG/AMP sequence variant interpretation guidelines (Richards et al. 2015 PMID: 25741868, with internal and published modifications).

NM_030665.4(RAI1):c.4035A>C (p.Ala1345=)

Gene: RAI1 (retinoic acid induced 1; plus strand). Cytogenetic location: 17p11.2.
Variant type: single nucleotide variant.
Coding change: c.4035A>C on transcript NM_030665.4 (MANE Select); coding-DNA position 4035, A replaced by C.
Protein change: p.Ala1345=; no amino-acid change (alanine 1345 retained).
Molecular consequence: synonymous variant.
Genome position (GRCh38, 1-based): chr17:17,796,983, A>C. VCF-style: chr17-17796983-A-C. GRCh37 (hg19) VCF-style: chr17-17700297-A-C.
Identifiers: ClinVar variation 3052161 (VCV003052161.2), dbSNP rs1224763002, ClinGen allele CA498424815.